The following is an entry in ClinVar:

ClinVar aggregate classification (germline): Uncertain significance (1 of 4 stars; one submission).

gnomAD v4.1: 12 of 1,613,426 alleles (0.00074%); highest among the groups gnomAD compares: Non-Finnish European, 0.00093%; no homozygotes.

Submission:

Ambry Genetics
Classification: Uncertain significance. Last evaluated: 2025-08-15. Review status: criteria provided, single submitter. Criteria: Ambry Variant Classification Scheme 2023. Collection method: clinical testing. Allele origin: germline.
Comment: The p.T531A variant (also known as c.1591A>G), located in coding exon 2 of the CDK12 gene, results from an A to G substitution at nucleotide position 1591. The threonine at codon 531 is replaced by alanine, an amino acid with similar properties. This amino acid position is conserved. In addition, this alteration is predicted to be tolerated by in silico analysis. Based on the available evidence, the clinical significance of this variant remains unclear.

NM_016507.4(CDK12):c.1591A>G (p.Thr531Ala)

Gene: CDK12 (cyclin dependent kinase 12; plus strand). Cytogenetic location: 17q12.
Variant type: single nucleotide variant.
Coding change: c.1591A>G on transcript NM_016507.4 (MANE Select); coding-DNA position 1591, A replaced by G.
Protein change: p.Thr531Ala; replaces threonine 531 with alanine.
Molecular consequence: missense variant.
Genome position (GRCh38, 1-based): chr17:39,471,423, A>G. VCF-style: chr17-39471423-A-G. GRCh37 (hg19) VCF-style: chr17-37627676-A-G.
Other names: c.1591A>G, p.Thr531Ala (NM_015083.4); short protein forms T531A.
Identifiers: ClinVar variation 4224392 (VCV004224392.1).